The following is an entry in ClinVar:

NM_000256.3(MYBPC3):c.852-12C>T

Gene: MYBPC3 (myosin binding protein C3; minus strand). Cytogenetic location: 11p11.2.
Variant type: single nucleotide variant.
Coding change: c.852-12C>T on transcript NM_000256.3 (MANE Select); 12 bases into the intron before coding-DNA position 852, C replaced by T.
Molecular consequence: intron variant.
Genome position (GRCh38, 1-based): chr11:47,347,491, G>A on the plus strand (C>T on the coding strand, the complement: MYBPC3 is on the minus strand). VCF-style: chr11-47347491-G-A. GRCh37 (hg19) VCF-style: chr11-47369042-G-A.
Identifiers: ClinVar variation 1986242 (VCV001986242.5), dbSNP rs766210070, ClinGen allele CA057142.

ClinVar aggregate classification (germline): Likely benign. Review status: criteria provided, multiple submitters, no conflicts (2 of 4 stars). 2 submissions from 2 submitters: Likely benign (2). Last evaluated 2025-07-23.

Conditions:
Hypertrophic cardiomyopathy. Also called: HYPERTROPHIC MYOCARDIOPATHY. Identifiers: Orphanet 217569, MedGen C0007194, MeSH D002312, MONDO:0005045, HP:0001639.

Allele frequency attached by ClinVar (database versions not stated): gnomAD exomes 0.00001.
gnomAD v4.1: 9 of 1,594,528 alleles (0.00056%); highest among the groups gnomAD compares: Non-Finnish European, 0.00077%; no homozygotes.

Submissions (2):

Labcorp Genetics (formerly Invitae), Labcorp
Classification: Likely benign for Hypertrophic cardiomyopathy. Last evaluated: 2025-07-23. Review status: criteria provided, single submitter. Criteria: Invitae Variant Classification Sherloc (09022015). Collection method: clinical testing. Allele origin: germline.

All of Us Research Program, National Institutes of Health
Classification: Likely benign for Hypertrophic cardiomyopathy. Last evaluated: 2023-11-02. Review status: criteria provided, single submitter. Criteria: ACMG Guidelines, 2015. Collection method: clinical testing. Allele origin: germline. Inheritance: Autosomal dominant inheritance. Observed: 1 variant allele, 1 heterozygote.
Comment: This study involves interpretation of variants in research participants for the purpose of population health screening. Participant phenotype was not available at the time of variant classification. Additional details can be found in publication PMID: 35346344, PMCID: PMC8962531